The following is an entry in ClinVar:

NM_000264.5(PTCH1):c.2096G>C (p.Cys699Ser)

Genes: PTCH1 (patched 1; minus strand), LOC100507346 (uncharacterized LOC100507346; plus strand). Cytogenetic location: 9q22.32.
Variant type: single nucleotide variant.
Coding change: c.2096G>C on transcript NM_000264.5 (MANE Select); coding-DNA position 2096, G replaced by C.
Protein change: p.Cys699Ser; replaces cysteine 699 with serine.
Molecular consequence: missense variant. On other transcripts: non-coding transcript variant (2).
Genome position (GRCh38, 1-based): chr9:95,468,905, C>G on the plus strand (G>C on the coding strand, the complement: PTCH1 is on the minus strand). VCF-style: chr9-95468905-C-G. GRCh37 (hg19) VCF-style: chr9-98231187-C-G.
Other names: c.1898G>C, p.Cys633Ser (NM_001083602.3); c.2093G>C, p.Cys698Ser (NM_001083603.3); c.1643G>C, p.Cys548Ser (NM_001083604.3, NM_001083605.3, NM_001083606.3 and 1 more transcripts); c.1940G>C, p.Cys647Ser (NM_001354918.2); short protein forms C647S, C548S, C699S, C633S, C698S.
Identifiers: ClinVar variation 964269 (VCV000964269.11), dbSNP rs547829353, ClinGen allele CA374115669.

ClinVar aggregate classification (germline): Uncertain significance. Review status: criteria provided, multiple submitters, no conflicts (2 of 4 stars). 2 submissions from 2 submitters: Uncertain significance (2). Last evaluated 2025-11-17.

Conditions:
Gorlin syndrome. Also called: Nevoid Basal Cell Carcinoma Syndrome; Basal cell nevus syndrome. Identifiers: Orphanet 377, MedGen C0004779, MONDO:0007187.
Hereditary cancer-predisposing syndrome. Also called: Hereditary neoplastic syndrome; Hereditary Cancer Syndrome; Tumor predisposition; Neoplastic Syndromes, Hereditary. Identifiers: Orphanet 140162, MedGen C0027672, MeSH D009386, MONDO:0015356.

gnomAD v4.1: 1 of 1,614,032 alleles (0.000062%); no homozygotes.

Submissions (2):

Ambry Genetics
Classification: Uncertain significance for Hereditary cancer-predisposing syndrome. Last evaluated: 2025-11-17. Review status: criteria provided, single submitter. Criteria: Ambry Variant Classification Scheme 2023. Collection method: clinical testing. Allele origin: germline.
Comment: The p.C699S variant (also known as c.2096G>C), located in coding exon 14 of the PTCH1 gene, results from a G to C substitution at nucleotide position 2096. The cysteine at codon 699 is replaced by serine, an amino acid with dissimilar properties. This amino acid position is conserved. In addition, the in silico prediction for this alteration is inconclusive. Based on the available evidence, the clinical significance of this variant remains unclear.

Labcorp Genetics (formerly Invitae), Labcorp
Classification: Uncertain significance for Gorlin syndrome. Last evaluated: 2019-11-14. Review status: criteria provided, single submitter. Criteria: Invitae Variant Classification Sherloc (09022015). Collection method: clinical testing. Allele origin: germline.
Comment: Algorithms developed to predict the effect of missense changes on protein structure and function (SIFT, PolyPhen-2, Align-GVGD) all suggest that this variant is likely to be tolerated, but these predictions have not been confirmed by published functional studies and their clinical significance is uncertain. In summary, the available evidence is currently insufficient to determine the role of this variant in disease. Therefore, it has been classified as a Variant of Uncertain Significance. This variant has not been reported in the literature in individuals with PTCH1-related conditions. This variant is not present in population databases (ExAC no frequency). This sequence change replaces cysteine with serine at codon 699 of the PTCH1 protein (p.Cys699Ser). The cysteine residue is weakly conserved and there is a moderate physicochemical difference between cysteine and serine.